The following is an entry in ClinVar:

NM_001283009.2(RTEL1):c.3701C>T (p.Pro1234Leu)

Genes: RTEL1 (regulator of telomere elongation helicase 1; plus strand), RTEL1-TNFRSF6B (RTEL1-TNFRSF6B readthrough (NMD candidate); plus strand). Cytogenetic location: 20q13.33.
Variant type: single nucleotide variant.
Coding change: c.3701C>T on transcript NM_001283009.2 (MANE Select); coding-DNA position 3701, C replaced by T.
Protein change: p.Pro1234Leu; replaces proline 1234 with leucine.
Molecular consequence: missense variant. On other transcripts: non-coding transcript variant (1), intron variant (3).
Genome position (GRCh38, 1-based): chr20:63,695,529, C>T. VCF-style: chr20-63695529-C-T. GRCh37 (hg19) VCF-style: chr20-62326882-C-T.
Other names: c.2983+49C>T (NM_001283010.1); c.3724+49C>T (NM_032957.5); c.3652+49C>T (NM_016434.4); short protein forms P1234L.
Identifiers: ClinVar variation 656665 (VCV000656665.36), dbSNP rs537878959, ClinGen allele CA9966162.

ClinVar aggregate classification (germline): Uncertain significance. Review status: criteria provided, multiple submitters, no conflicts (2 of 4 stars). 3 submissions from 3 submitters: Uncertain significance (3). Last evaluated 2025-08-10.

Conditions:
Inborn genetic diseases. Identifiers: MedGen C0950123, MeSH D030342.
Pulmonary fibrosis and/or bone marrow failure, Telomere-related, 3. Also called: PULMONARY FIBROSIS AND/OR BONE MARROW FAILURE SYNDROME, TELOMERE-RELATED, 3. Identifiers: Orphanet 2032, MedGen C4225346, MONDO:0014613, OMIM 616373.
Dyskeratosis congenita, autosomal recessive 5 (DKCB5). Identifiers: MedGen C3554656, MONDO:0014076, OMIM 615190.

Allele frequency attached by ClinVar (database versions not stated): ExAC below 0.00001; TOPMed below 0.00001; gnomAD exomes 0.00001; gnomAD 0.00002 and 0.00003; 1000 Genomes Project 30x 0.00016; 1000 Genomes Project 0.00020.
gnomAD v4.1: 21 of 1,612,242 alleles (0.0013%); highest among the groups gnomAD compares: East Asian, 0.0089%; no homozygotes.

Submissions (3):

Labcorp Genetics (formerly Invitae), Labcorp
Classification: Uncertain significance for Dyskeratosis congenita, autosomal recessive 5; Pulmonary fibrosis and/or bone marrow failure, Telomere-related, 3. Last evaluated: 2025-08-10. Review status: criteria provided, single submitter. Criteria: Invitae Variant Classification Sherloc (09022015). Collection method: clinical testing. Allele origin: germline.
Comment: This sequence change replaces proline, which is neutral and non-polar, with leucine, which is neutral and non-polar, at codon 1234 of the RTEL1 protein (p.Pro1234Leu). This variant is present in population databases (rs537878959, gnomAD 0.005%). This variant has not been reported in the literature in individuals affected with RTEL1-related conditions. ClinVar contains an entry for this variant (Variation ID: 656665). An algorithm developed to predict the effect of missense changes on protein structure and function (PolyPhen-2) suggests that this variant is likely to be tolerated. In summary, the available evidence is currently insufficient to determine the role of this variant in disease. Therefore, it has been classified as a Variant of Uncertain Significance.

Ambry Genetics
Classification: Uncertain significance for Inborn genetic diseases. Last evaluated: 2024-12-12. Review status: criteria provided, single submitter. Criteria: Ambry Variant Classification Scheme 2023. Collection method: clinical testing. Allele origin: germline.
Comment: The p.P1234L variant (also known as c.3701C>T), located in coding exon 33 of the RTEL1 gene, results from a C to T substitution at nucleotide position 3701. The proline at codon 1234 is replaced by leucine, an amino acid with similar properties. This amino acid position is conserved. In addition, this alteration is predicted to be tolerated by in silico analysis. Based on the available evidence, the clinical significance of this variant remains unclear.

CeGaT Center for Human Genetics Tuebingen
Classification: Uncertain significance. Last evaluated: 2022-08-01. Review status: criteria provided, single submitter. Criteria: CeGaT Center For Human Genetics Tuebingen Variant Classification Criteria Version 2. Collection method: clinical testing. Allele origin: germline. Affected: yes. Observed: 1 variant allele.